The following is an entry in ClinVar:

ClinVar aggregate classification (germline): Uncertain significance. Review status: criteria provided, multiple submitters, no conflicts (2 of 4 stars). 2 submissions from 2 submitters: Uncertain significance (2). Last evaluated 2025-07-15.

Conditions:
Hereditary spastic paraplegia 48. Also called: SPASTIC PARAPLEGIA 48, AUTOSOMAL RECESSIVE; Spastic paraplegia 48. Identifiers: Orphanet 306511, MedGen C3150901, MONDO:0013342, OMIM 613647.
Inborn genetic diseases. Identifiers: MedGen C0950123, MeSH D030342.

Allele frequency attached by ClinVar (database versions not stated): ExAC 0.00004; 1000 Genomes Project 30x 0.00016; 1000 Genomes Project 0.00020.
gnomAD v4.1: 39 of 1,611,400 alleles (0.0024%); highest among the groups gnomAD compares: African/African-American, 0.0093%; no homozygotes.

Submissions (2):

Ambry Genetics
Classification: Uncertain significance for Inborn genetic diseases. Last evaluated: 2025-07-15. Review status: criteria provided, single submitter. Criteria: Ambry Variant Classification Scheme 2023. Collection method: clinical testing. Allele origin: germline.

Labcorp Genetics (formerly Invitae), Labcorp
Classification: Uncertain significance for Hereditary spastic paraplegia 48. Last evaluated: 2022-07-13. Review status: criteria provided, single submitter. Criteria: Invitae Variant Classification Sherloc (09022015). Collection method: clinical testing. Allele origin: germline.
Comment: This sequence change replaces threonine, which is neutral and polar, with methionine, which is neutral and non-polar, at codon 558 of the AP5Z1 protein (p.Thr558Met). This variant is present in population databases (rs573471657, gnomAD 0.01%). This variant has not been reported in the literature in individuals affected with AP5Z1-related conditions. Algorithms developed to predict the effect of missense changes on protein structure and function (SIFT, PolyPhen-2, Align-GVGD) all suggest that this variant is likely to be tolerated. In summary, the available evidence is currently insufficient to determine the role of this variant in disease. Therefore, it has been classified as a Variant of Uncertain Significance.

NM_014855.3(AP5Z1):c.1673C>T (p.Thr558Met)

Gene: AP5Z1 (adaptor related protein complex 5 subunit zeta 1; plus strand). Cytogenetic location: 7p22.1.
Variant type: single nucleotide variant.
Coding change: c.1673C>T on transcript NM_014855.3 (MANE Select); coding-DNA position 1673, C replaced by T.
Protein change: p.Thr558Met; replaces threonine 558 with methionine.
Molecular consequence: missense variant. On other transcripts: non-coding transcript variant (1).
Genome position (GRCh38, 1-based): chr7:4,788,917, C>T. VCF-style: chr7-4788917-C-T. GRCh37 (hg19) VCF-style: chr7-4828548-C-T.
Other names: c.1205C>T, p.Thr402Met (NM_001364858.1); short protein forms T402M, T558M.
Identifiers: ClinVar variation 2080321 (VCV002080321.3), dbSNP rs573471657, ClinGen allele CA4137963.